The following is an entry in ClinVar:

NM_000222.3(KIT):c.1057A>G (p.Arg353Gly)

Gene: KIT (KIT proto-oncogene, receptor tyrosine kinase; plus strand). Cytogenetic location: 4q12.
Variant type: single nucleotide variant.
Coding change: c.1057A>G on transcript NM_000222.3 (MANE Select); coding-DNA position 1057, A replaced by G.
Protein change: p.Arg353Gly; replaces arginine 353 with glycine.
Molecular consequence: missense variant.
Genome position (GRCh38, 1-based): chr4:54,707,229, A>G. VCF-style: chr4-54707229-A-G. GRCh37 (hg19) VCF-style: chr4-55573395-A-G.
Other names: c.1057A>G, p.Arg353Gly (NM_001093772.2, NM_001385285.1, NM_001385286.1); c.1060A>G, p.Arg354Gly (NM_001385284.1, NM_001385288.1, NM_001385290.1 and 1 more transcripts); short protein forms R353G, R354G.
Identifiers: ClinVar variation 1009540 (VCV001009540.9), dbSNP rs1720846582, ClinGen allele CA356901066.

ClinVar aggregate classification (germline): Uncertain significance (1 of 4 stars; one submission).

Conditions:
Gastrointestinal stromal tumor. Also called: Gastrointestinal stromal tumor, somatic; Gastrointestinal stroma tumor. Identifiers: Orphanet 44890, MedGen C0238198, MeSH D046152, MONDO:0011719, OMIM 606764, HP:0100723.

Allele frequency attached by ClinVar (database versions not stated): gnomAD exomes below 0.00001.
gnomAD v4.1: 1 of 1,612,798 alleles (0.000062%); highest among the groups gnomAD compares: Non-Finnish European, 0.000085%; no homozygotes.

Submission:

Labcorp Genetics (formerly Invitae), Labcorp
Classification: Uncertain significance for Gastrointestinal stromal tumor. Last evaluated: 2025-09-30. Review status: criteria provided, single submitter. Criteria: Invitae Variant Classification Sherloc (09022015). Collection method: clinical testing. Allele origin: germline.
Comment: This sequence change replaces arginine, which is basic and polar, with glycine, which is neutral and non-polar, at codon 353 of the KIT protein (p.Arg353Gly). This variant is not present in population databases (gnomAD no frequency). This variant has not been reported in the literature in individuals affected with KIT-related conditions. ClinVar contains an entry for this variant (Variation ID: 1009540). An algorithm developed to predict the effect of missense changes on protein structure and function outputs the following: PolyPhen-2: "Benign". The glycine amino acid residue is found in multiple mammalian species, which suggests that this missense change does not adversely affect protein function. In summary, the available evidence is currently insufficient to determine the role of this variant in disease. Therefore, it has been classified as a Variant of Uncertain Significance.